The following is an entry in ClinVar:

NM_001648.2(KLK3):c.373C>T (p.Arg125Cys)

Gene: KLK3 (kallikrein related peptidase 3; plus strand). Cytogenetic location: 19q13.33.
Variant type: single nucleotide variant.
Coding change: c.373C>T on transcript NM_001648.2 (MANE Select); coding-DNA position 373, C replaced by T.
Protein change: p.Arg125Cys; replaces arginine 125 with cysteine.
Molecular consequence: missense variant.
Genome position (GRCh38, 1-based): chr19:50,858,195, C>T. VCF-style: chr19-50858195-C-T. GRCh37 (hg19) VCF-style: chr19-51361451-C-T.
Other names: c.373C>T, p.Arg125Cys (NM_001030047.1); c.244C>T, p.Arg82Cys (NM_001030048.1); short protein forms R125C, R82C.
Identifiers: ClinVar variation 3052696 (VCV003052696.2), dbSNP rs61750343, ClinGen allele CA9604413.

ClinVar aggregate classification (germline): Benign (0 of 4 stars; one submission).

Conditions:
KLK3-related disorder. Also called: KLK3-related condition.

Allele frequency attached by ClinVar (database versions not stated): gnomAD exomes 0.00029; ExAC 0.00086; 1000 Genomes Project 0.00200; 1000 Genomes Project 30x 0.00234; ESP Exome Variant Server 0.00254; gnomAD 0.00273; TOPMed 0.00334.
gnomAD v4.1: 871 of 1,614,222 alleles (0.054%); highest among the groups gnomAD compares: African/African-American, 0.95%; 4 homozygotes.

Submission:

PreventionGenetics, part of Exact Sciences
Classification: Benign for KLK3-related condition. Last evaluated: 2019-11-11. Review status: no assertion criteria provided. Collection method: clinical testing. Allele origin: germline.
Comment: This variant is classified as benign based on ACMG/AMP sequence variant interpretation guidelines (Richards et al. 2015 PMID: 25741868, with internal and published modifications).